The following is an entry in ClinVar:

ClinVar aggregate classification (germline): Uncertain significance (0 of 4 stars; one submission).

Conditions:
SIM1-related disorder. Also called: SIM1-related condition; SIM1-related disorders.

Submission:

PreventionGenetics, part of Exact Sciences
Classification: Uncertain significance for SIM1-related condition. Last evaluated: 2024-08-28. Review status: no assertion criteria provided. Collection method: clinical testing. Allele origin: germline.
Comment: The SIM1 c.337G>A variant is predicted to result in the amino acid substitution p.Gly113Ser. To our knowledge, this variant has not been reported in the literature or in a large population database, indicating it is rare. At this time, the clinical significance of this variant is uncertain due to the absence of conclusive functional and genetic evidence.

NM_005068.3(SIM1):c.337G>A (p.Gly113Ser)

Gene: SIM1 (SIM bHLH transcription factor 1; minus strand). Cytogenetic location: 6q16.3.
Variant type: single nucleotide variant.
Coding change: c.337G>A on transcript NM_005068.3 (MANE Select); coding-DNA position 337, G replaced by A.
Protein change: p.Gly113Ser; replaces glycine 113 with serine.
Molecular consequence: missense variant.
Genome position (GRCh38, 1-based): chr6:100,450,278, C>T on the plus strand (G>A on the coding strand, the complement: SIM1 is on the minus strand). VCF-style: chr6-100450278-C-T. GRCh37 (hg19) VCF-style: chr6-100898154-C-T.
Other names: c.337G>A, p.Gly113Ser (NM_001374769.1); short protein forms G113S.
Identifiers: ClinVar variation 3344792 (VCV003344792.1).
Genomic context (GRCh38, chr6:100,450,278, plus strand): 5'-AGCTCTGGCTGTAAACACTGCAGGTGGGATATGTGAACCACTCACCTACCTGAGAAAGAC[C>T]CAAGTGGACTGAGGCTGTCTCTGAGATGTACATGATCTTCCCATCTGGGGCTACCACGAA-3'
Protein context (NP_005059.2, residues 103-123): YISETASVHL[Gly113Ser]LSQVELTGNS